The following is an entry in ClinVar:

NM_001177701.3(IFT27):c.256T>C (p.Cys86Arg)

Genes: CACNG2-DT (CACNG2 divergent transcript; plus strand), IFT27 (intraflagellar transport 27; minus strand). Cytogenetic location: 22q12.3.
Variant type: single nucleotide variant.
Coding change: c.256T>C on transcript NM_001177701.3 (MANE Select); coding-DNA position 256, T replaced by C.
Protein change: p.Cys86Arg; replaces cysteine 86 with arginine.
Molecular consequence: missense variant.
Genome position (GRCh38, 1-based): chr22:36,764,015, A>G on the plus strand (T>C on the coding strand, the complement: IFT27 is on the minus strand). VCF-style: chr22-36764015-A-G. GRCh37 (hg19) VCF-style: chr22-37160059-A-G.
Other names: c.256T>C, p.Cys86Arg (NM_001363003.2); c.253T>C, p.Cys85Arg (NM_006860.5); short protein forms C85R, C86R.
Identifiers: ClinVar variation 2005057 (VCV002005057.4), dbSNP rs2517823941, ClinGen allele CA411383366.

ClinVar aggregate classification (germline): Uncertain significance (1 of 4 stars; one submission).

Allele frequency attached by ClinVar (database versions not stated): gnomAD exomes below 0.00001.
gnomAD v4.1: 1 of 1,613,870 alleles (0.000062%); highest among the groups gnomAD compares: Non-Finnish European, 0.000085%; no homozygotes.

Submission:

Labcorp Genetics (formerly Invitae), Labcorp
Classification: Uncertain significance. Last evaluated: 2023-09-11. Review status: criteria provided, single submitter. Criteria: Invitae Variant Classification Sherloc (09022015). Collection method: clinical testing. Allele origin: germline.
Comment: This variant is not present in population databases (gnomAD no frequency). This sequence change replaces cysteine, which is neutral and slightly polar, with arginine, which is basic and polar, at codon 85 of the IFT27 protein (p.Cys85Arg). This variant has not been reported in the literature in individuals affected with IFT27-related conditions. In summary, the available evidence is currently insufficient to determine the role of this variant in disease. Therefore, it has been classified as a Variant of Uncertain Significance. Advanced modeling of protein sequence and biophysical properties (such as structural, functional, and spatial information, amino acid conservation, physicochemical variation, residue mobility, and thermodynamic stability) performed at Invitae indicates that this missense variant is expected to disrupt IFT27 protein function. ClinVar contains an entry for this variant (Variation ID: 2005057).